The following is an entry in ClinVar:

NM_001851.6(COL9A1):c.1449+11G>A

Gene: COL9A1 (collagen type IX alpha 1 chain; minus strand). Cytogenetic location: 6q13.
Variant type: single nucleotide variant.
Coding change: c.1449+11G>A on transcript NM_001851.6 (MANE Select); 11 bases into the intron after coding-DNA position 1449, G replaced by A.
Molecular consequence: intron variant.
Genome position (GRCh38, 1-based): chr6:70,260,646, C>T on the plus strand (G>A on the coding strand, the complement: COL9A1 is on the minus strand). VCF-style: chr6-70260646-C-T. GRCh37 (hg19) VCF-style: chr6-70970349-C-T.
Other names: c.720+11G>A (NM_001377290.1, NM_078485.4, NM_001377289.1).
Identifiers: ClinVar variation 1933301 (VCV001933301.5), dbSNP rs1474954026, ClinGen allele CA827630579.
Genomic context (GRCh38, chr6:70,260,646, plus strand): 5'-TATGTTTAAACGGCCAAAATTTTAAATATTTAACACATTTTGGTATTATATTATTGTCAT[C>T]ACCATCTTACTTTTTCCCCTTTGTCCCCAACTATGCCGGTGATGCCTCGCAAACCCTGGG-3'

ClinVar aggregate classification (germline): Uncertain significance (1 of 4 stars; one submission).

Allele frequency attached by ClinVar (database versions not stated): gnomAD exomes below 0.00001; TOPMed 0.00001.
gnomAD v4.1: 1 of 1,610,192 alleles (0.000062%); highest among the groups gnomAD compares: South Asian, 0.0011%; no homozygotes.

Submission:

Labcorp Genetics (formerly Invitae), Labcorp
Classification: Uncertain significance. Last evaluated: 2023-10-03. Review status: criteria provided, single submitter. Criteria: Invitae Variant Classification Sherloc (09022015). Collection method: clinical testing. Allele origin: germline.
Comment: This sequence change falls in intron 20 of the COL9A1 gene. It does not directly change the encoded amino acid sequence of the COL9A1 protein. This variant is not present in population databases (gnomAD no frequency). This variant has not been reported in the literature in individuals affected with COL9A1-related conditions. ClinVar contains an entry for this variant (Variation ID: 1933301). Algorithms developed to predict the effect of sequence changes on RNA splicing suggest that this variant may create or strengthen a splice site. In summary, the available evidence is currently insufficient to determine the role of this variant in disease. Therefore, it has been classified as a Variant of Uncertain Significance.